The following is an entry in ClinVar:

ClinVar aggregate classification (germline): Uncertain significance. Review status: criteria provided, multiple submitters, no conflicts (2 of 4 stars). 2 submissions from 2 submitters: Uncertain significance (2). Last evaluated 2024-08-12.

Conditions:
Intellectual disability, CASK-related, X-linked. Identifiers: MedGen CN043158.

Submissions (2):

GeneDx
Classification: Uncertain significance. Last evaluated: 2024-08-12. Review status: criteria provided, single submitter. Criteria: GeneDx Variant Classification Process June 2021. Collection method: clinical testing. Allele origin: germline. Affected: yes.
Comment: Not observed at significant frequency in large population cohorts (gnomAD); In silico analysis supports that this missense variant has a deleterious effect on protein structure/function; Has not been previously published as pathogenic or benign to our knowledge

Labcorp Genetics (formerly Invitae), Labcorp
Classification: Uncertain significance for Intellectual disability, CASK-related, X-linked. Last evaluated: 2020-12-20. Review status: criteria provided, single submitter. Criteria: Invitae Variant Classification Sherloc (09022015). Collection method: clinical testing. Allele origin: germline.
Comment: In summary, the available evidence is currently insufficient to determine the role of this variant in disease. Therefore, it has been classified as a Variant of Uncertain Significance. This variant is not present in population databases (ExAC no frequency). This variant has not been reported in the literature in individuals with CASK-related conditions. Algorithms developed to predict the effect of missense changes on protein structure and function are either unavailable or do not agree on the potential impact of this missense change (SIFT: "Deleterious"; PolyPhen-2: "Probably Damaging"; Align-GVGD: "Class C0"). This sequence change replaces cysteine with tyrosine at codon 513 of the CASK protein (p.Cys513Tyr). The cysteine residue is highly conserved and there is a large physicochemical difference between cysteine and tyrosine.

NM_001367721.1(CASK):c.1538G>A (p.Cys513Tyr)

Gene: CASK (calcium/calmodulin dependent serine protein kinase; minus strand). Cytogenetic location: Xp11.4.
Variant type: single nucleotide variant.
Coding change: c.1538G>A on transcript NM_001367721.1 (MANE Select); coding-DNA position 1538, G replaced by A.
Protein change: p.Cys513Tyr; replaces cysteine 513 with tyrosine.
Molecular consequence: missense variant.
Genome position (GRCh38, 1-based): chrX:41,569,712, C>T on the plus strand (G>A on the coding strand, the complement: CASK is on the minus strand). VCF-style: chrX-41569712-C-T. GRCh37 (hg19) VCF-style: chrX-41428965-C-T.
Other names: c.1538G>A, p.Cys513Tyr (NM_001126054.3, NM_003688.4); c.1520G>A, p.Cys507Tyr (NM_001126055.3, NM_001410745.1); short protein forms C513Y, C507Y.
Identifiers: ClinVar variation 1385702 (VCV001385702.8), dbSNP rs2147179242, ClinGen allele CA412995713.